The following is an entry in ClinVar:

ClinVar aggregate classification (germline): Benign. Review status: criteria provided, multiple submitters, no conflicts (2 of 4 stars). 3 submissions from 3 submitters: Benign (3). Last evaluated 2022-07-01.

Allele frequency attached by ClinVar (database versions not stated): gnomAD exomes 0.00413; ExAC 0.00564; 1000 Genomes Project 30x 0.00750; gnomAD 0.00765; 1000 Genomes Project 0.00779; ESP Exome Variant Server 0.00921; TOPMed 0.00994.
gnomAD v4.1: 6,821 of 1,551,100 alleles (0.44%); highest among the groups gnomAD compares: African/African-American, 2.1%; 29 homozygotes.

Submissions (3):

CeGaT Center for Human Genetics Tuebingen
Classification: Benign. Last evaluated: 2022-07-01. Review status: criteria provided, single submitter. Criteria: CeGaT Center For Human Genetics Tuebingen Variant Classification Criteria Version 2. Collection method: clinical testing. Allele origin: germline. Affected: yes. Observed: 1 variant allele.
Comment: COL6A5: BP4, BS1, BS2

Labcorp Genetics (formerly Invitae), Labcorp
Classification: Benign. Last evaluated: 2017-08-03. Review status: criteria provided, single submitter. Criteria: Invitae Variant Classification Sherloc (09022015). Collection method: clinical testing. Allele origin: germline.

Breakthrough Genomics
Classification: Benign. Review status: criteria provided, single submitter. Criteria: ACMG Guidelines, 2015. Collection method: not provided. Allele origin: germline. Inheritance: Unknown mechanism. Affected: yes.

NM_001278298.2(COL6A5):c.1921A>C (p.Asn641His)

Gene: COL6A5 (collagen type VI alpha 5 chain; plus strand). Cytogenetic location: 3q22.1.
Variant type: single nucleotide variant.
Coding change: c.1921A>C on transcript NM_001278298.2 (MANE Select); coding-DNA position 1921, A replaced by C.
Protein change: p.Asn641His; replaces asparagine 641 with histidine.
Molecular consequence: missense variant. On other transcripts: non-coding transcript variant (1).
Genome position (GRCh38, 1-based): chr3:130,388,639, A>C. VCF-style: chr3-130388639-A-C. GRCh37 (hg19) VCF-style: chr3-130107482-A-C.
Other names: c.1921A>C, p.Asn641His (NM_153264.7); short protein forms N641H.
Identifiers: ClinVar variation 781840 (VCV000781840.34), dbSNP rs9882852, ClinGen allele CA2610864.